The following is an entry in ClinVar:

ClinVar aggregate classification (germline): Pathogenic (1 of 4 stars; one submission).

Conditions:
Familial cancer of breast. Also called: hereditary breast carcinoma; BREAST CANCER, FAMILIAL; Hereditary breast cancer. Identifiers: Orphanet 227535, MedGen C0346153, MONDO:0016419, OMIM 114480. Disease mechanism: loss of function.

Submission:

Labcorp Genetics (formerly Invitae), Labcorp
Classification: Pathogenic for Familial cancer of breast. Last evaluated: 2020-02-17. Review status: criteria provided, single submitter. Criteria: Invitae Variant Classification Sherloc (09022015). Collection method: clinical testing. Allele origin: germline.
Comment: This variant is an out-of-frame deletion of the genomic region encompassing exon 7 of the BARD1 gene. This is expected to create a premature translational stop signal and result in an absent or disrupted protein product. This variant has not been reported in the literature in individuals with BARD1-related conditions. Loss-of-function variants in BARD1 are known to be pathogenic (PMID: 20077502, 21344236). For these reasons, this variant has been classified as Pathogenic.

Literature cited by the submitters: PubMed 20077502; PubMed 21344236.

NC_000002.11:g.(?_215617161)_(215617289_?)del

Gene: BARD1 (BRCA1 associated RING domain 1; minus strand). Cytogenetic location: 2q35.
Variant type: Deletion.
Identifiers: ClinVar variation 1070148 (VCV001070148.2).